The following is an entry in ClinVar:

NM_003680.4(YARS1):c.1124T>A (p.Ile375Asn)

Gene: YARS1 (tyrosyl-tRNA synthetase 1; minus strand). Cytogenetic location: 1p35.1.
Variant type: single nucleotide variant.
Coding change: c.1124T>A on transcript NM_003680.4 (MANE Select); coding-DNA position 1124, T replaced by A.
Protein change: p.Ile375Asn; replaces isoleucine 375 with asparagine.
Molecular consequence: missense variant.
Genome position (GRCh38, 1-based): chr1:32,781,064, A>T on the plus strand (T>A on the coding strand, the complement: YARS1 is on the minus strand). VCF-style: chr1-32781064-A-T. GRCh37 (hg19) VCF-style: chr1-33246665-A-T.
Other names: short protein forms I375N.
Identifiers: ClinVar variation 2855595 (VCV002855595.3), dbSNP rs1273045035, ClinGen allele CA339682514.
Genomic context (GRCh38, chr1:32,781,064, plus strand): 5'-CTGACCCCAATCTGCCTCTCTGAGATGTGGTGAAAAATGAGTACCTTCTCCACAGTGATG[A>T]TTTTCCCCACACGGATATCCAGCCGGGATGGGATGACCTCCTCTGGTTCTGAATTCTTGG-3'
Protein context (NP_003671.1, residues 365-385): PSRLDIRVGK[Ile375Asn]ITVEKHPDAD

ClinVar aggregate classification (germline): Uncertain significance (1 of 4 stars; one submission).

Conditions:
Charcot-Marie-Tooth disease dominant intermediate C (CMTDIC). Also called: CHARCOT-MARIE-TOOTH NEUROPATHY, DOMINANT INTERMEDIATE C. Identifiers: Orphanet 100045, MedGen C1842237, MONDO:0012012, OMIM 608323.

Allele frequency attached by ClinVar (database versions not stated): gnomAD exomes below 0.00001; TOPMed below 0.00001; gnomAD 0.00001.
gnomAD v4.1: 4 of 1,613,944 alleles (0.00025%); highest among the groups gnomAD compares: Non-Finnish European, 0.00034%; no homozygotes.

Submission:

Labcorp Genetics (formerly Invitae), Labcorp
Classification: Uncertain significance for Charcot-Marie-Tooth disease dominant intermediate C. Last evaluated: 2023-11-28. Review status: criteria provided, single submitter. Criteria: Invitae Variant Classification Sherloc (09022015). Collection method: clinical testing. Allele origin: germline.
Comment: This sequence change replaces isoleucine, which is neutral and non-polar, with asparagine, which is neutral and polar, at codon 375 of the YARS protein (p.Ile375Asn). This variant is not present in population databases (gnomAD no frequency). This variant has not been reported in the literature in individuals affected with YARS-related conditions. Advanced modeling of protein sequence and biophysical properties (such as structural, functional, and spatial information, amino acid conservation, physicochemical variation, residue mobility, and thermodynamic stability) performed at Invitae indicates that this missense variant is expected to disrupt YARS protein function with a positive predictive value of 80%. In summary, the available evidence is currently insufficient to determine the role of this variant in disease. Therefore, it has been classified as a Variant of Uncertain Significance.